The following is an entry in ClinVar:

ClinVar aggregate classification (germline): Pathogenic (1 of 4 stars; one submission).

Conditions:
Familial adenomatous polyposis 4 (FAP4). Also called: MSH3-related attenuated familial adenomatous polyposis. Identifiers: Orphanet 480536, MedGen C4310719, MONDO:0044300, OMIM 617100.

Submission:

Myriad Genetics, Inc.
Classification: Pathogenic for Familial adenomatous polyposis 4. Last evaluated: 2023-08-30. Review status: criteria provided, single submitter. Criteria: Myriad Autosomal Dominant, Autosomal Recessive and X-Linked Classification Criteria (2023). Collection method: clinical testing. Allele origin: unknown.
Comment: This variant is considered pathogenic. This variant creates a termination codon and is predicted to result in premature protein truncation.

NM_002439.5(MSH3):c.2055_2058del (p.His684_Tyr685insTer)

Gene: MSH3 (mutS homolog 3; plus strand). Cytogenetic location: 5q14.1.
Variant type: Deletion.
Coding change: c.2055_2058del on transcript NM_002439.5 (MANE Select); coding-DNA positions 2055 to 2058, 4 bases deleted (CTTA; older notation c.2055_2058delCTTA).
Protein change: p.His684_Tyr685insTer.
Molecular consequence: nonsense.
Genome position (GRCh38, 1-based): chr5:80,768,091-80,768,094, CTTA deleted; deleting any 4 consecutive bases within chr5:80,768,088-80,768,094 gives the same sequence; the c. name uses the placement nearest the transcript's 3' end. VCF-style (leftmost placement, unchanged base first): chr5-80768087-ATTAC-A. GRCh37 (hg19) VCF-style: chr5-80063906-ATTAC-A.
Identifiers: ClinVar variation 2673559 (VCV002673559.1), dbSNP rs2546773723, ClinGen allele CA2695198671.